The following is an entry in ClinVar:

NM_001012614.2(CTBP1):c.1096G>A (p.Ala366Thr)

Genes: CTBP1 (C-terminal binding protein 1; minus strand), CTBP1-AS (CTBP1 antisense RNA; plus strand). Cytogenetic location: 4p16.3.
Variant type: single nucleotide variant.
Coding change: c.1096G>A on transcript NM_001012614.2 (MANE Select); coding-DNA position 1096, G replaced by A.
Protein change: p.Ala366Thr; replaces alanine 366 with threonine.
Molecular consequence: missense variant.
Genome position (GRCh38, 1-based): chr4:1,212,923, C>T on the plus strand (G>A on the coding strand, the complement: CTBP1 is on the minus strand). VCF-style: chr4-1212923-C-T. GRCh37 (hg19) VCF-style: chr4-1206711-C-T.
Other names: c.1129G>A, p.Ala377Thr (NM_001328.3, NM_001377186.1); c.1096G>A, p.Ala366Thr (NM_001377187.1, NM_001377188.1, NM_001377189.1 and 4 more transcripts); short protein forms A366T, A377T.
Identifiers: ClinVar variation 3035463 (VCV003035463.2), dbSNP rs780391436, ClinGen allele CA355944573.

ClinVar aggregate classification (germline): Uncertain significance (0 of 4 stars; one submission).

Conditions:
CTBP1-related disorder. Also called: CTBP1-related condition.

Submission:

PreventionGenetics, part of Exact Sciences
Classification: Uncertain significance for CTBP1-related condition. Last evaluated: 2023-11-01. Review status: no assertion criteria provided. Collection method: clinical testing. Allele origin: germline.
Comment: The CTBP1 c.1129G>A variant is predicted to result in the amino acid substitution p.Ala377Thr. To our knowledge, this variant has not been reported in the literature or in a large population database, indicating this variant is rare. At this time, the clinical significance of this variant is uncertain due to the absence of conclusive functional and genetic evidence.